The following is an entry in ClinVar:

ClinVar aggregate classification (germline): Uncertain significance (1 of 4 stars; one submission).

Conditions:
Mucopolysaccharidosis, MPS-II (MPS2). Also called: Attenuated MPS (subtype; formerly known as mild MPS II); Severe MPS II; I2S deficiency; MPS 2; Hunter Syndrome; IDURONATE 2-SULFATASE DEFICIENCY. Identifiers: Orphanet 580, Orphanet 79388, MedGen C0026705, MONDO:0010674, OMIM 309900.

Submission:

Labcorp Genetics (formerly Invitae), Labcorp
Classification: Uncertain significance for Mucopolysaccharidosis, MPS-II. Last evaluated: 2022-10-06. Review status: criteria provided, single submitter. Criteria: Invitae Variant Classification Sherloc (09022015). Collection method: clinical testing. Allele origin: germline.
Comment: A copy number gain of the genomic region encompassing the full coding sequence of the IDS gene has been identified. The boundaries of this event are unknown as they extend beyond the assayed region for this gene and therefore may encompass additional genes. As the precise location of this event is unknown, it may be in tandem or it may be located elsewhere in the genome. A similar copy number variant has been observed in individual(s) with tetralogy of Fallot (PMID: 22912587). In summary, the available evidence is currently insufficient to determine the role of this variant in disease. Therefore, it has been classified as a Variant of Uncertain Significance.

Literature cited by the submitters: PubMed 22912587.

NC_000023.10:g.(?_148564277)_(148586667_?)dup

Gene: IDS (iduronate 2-sulfatase; minus strand). Cytogenetic location: Xq28.
Variant type: Duplication.
Identifiers: ClinVar variation 2422577 (VCV002422577.3).